The following is an entry in ClinVar:

NM_004444.5(EPHB4):c.288G>T (p.Glu96Asp)

Gene: EPHB4 (EPH receptor B4; minus strand). Cytogenetic location: 7q22.1.
Variant type: single nucleotide variant.
Coding change: c.288G>T on transcript NM_004444.5 (MANE Select); coding-DNA position 288, G replaced by T.
Protein change: p.Glu96Asp; replaces glutamic acid 96 with aspartic acid.
Molecular consequence: missense variant.
Genome position (GRCh38, 1-based): chr7:100,823,767, C>A on the plus strand (G>T on the coding strand, the complement: EPHB4 is on the minus strand). VCF-style: chr7-100823767-C-A. GRCh37 (hg19) VCF-style: chr7-100421389-C-A.
Other names: short protein forms E96D.
Identifiers: ClinVar variation 2575563 (VCV002575563.2), dbSNP rs1264089421, ClinGen allele CA368583054.

ClinVar aggregate classification (germline): Uncertain significance. Review status: criteria provided, multiple submitters, no conflicts (2 of 4 stars). 2 submissions from 2 submitters: Uncertain significance (2). Last evaluated 2025-04-14.

Conditions:
Cardiovascular phenotype. Identifiers: MedGen CN230736.

gnomAD v4.1: 9 of 1,613,604 alleles (0.00056%); highest among the groups gnomAD compares: Non-Finnish European, 0.00076%; no homozygotes.

Submissions (2):

Ambry Genetics
Classification: Uncertain significance for Cardiovascular phenotype. Last evaluated: 2025-04-14. Review status: criteria provided, single submitter. Criteria: Ambry Variant Classification Scheme 2023. Collection method: clinical testing. Allele origin: germline.
Comment: The p.E96D variant (also known as c.288G>T), located in coding exon 3 of the EPHB4 gene, results from a G to T substitution at nucleotide position 288. The glutamic acid at codon 96 is replaced by aspartic acid, an amino acid with highly similar properties. This amino acid position is conserved. In addition, this alteration is predicted to be tolerated by in silico analysis. Based on the available evidence, the clinical significance of this variant remains unclear.

GeneDx
Classification: Uncertain significance. Last evaluated: 2023-02-08. Review status: criteria provided, single submitter. Criteria: GeneDx Variant Classification Process June 2021. Collection method: clinical testing. Allele origin: germline. Affected: yes.
Comment: Not observed at significant frequency in large population cohorts (gnomAD); In silico analysis supports that this missense variant does not alter protein structure/function; Has not been previously published as pathogenic or benign to our knowledge